The following is an entry in ClinVar:

NM_006346.4(PIBF1):c.1888A>G (p.Ile630Val)

Gene: PIBF1 (progesterone immunomodulatory binding factor 1; plus strand). Cytogenetic location: 13q22.1.
Variant type: single nucleotide variant.
Coding change: c.1888A>G on transcript NM_006346.4 (MANE Select); coding-DNA position 1888, A replaced by G.
Protein change: p.Ile630Val; replaces isoleucine 630 with valine.
Molecular consequence: missense variant. On other transcripts: non-coding transcript variant (2).
Genome position (GRCh38, 1-based): chr13:72,965,328, A>G. VCF-style: chr13-72965328-A-G. GRCh37 (hg19) VCF-style: chr13-73539466-A-G.
Other names: c.1975A>G, p.Ile659Val (NM_001349655.2); short protein forms I630V, I659V.
Identifiers: ClinVar variation 1572001 (VCV001572001.9), dbSNP rs11544631, ClinGen allele CA7002435.

ClinVar aggregate classification (germline): Conflicting classifications of pathogenicity. Review status: criteria provided, conflicting classifications (1 of 4 stars). 3 submissions from 3 submitters: Uncertain significance (1); Benign (2). Last evaluated 2026-01-14.

Conditions:
Joubert syndrome 33. Identifiers: MedGen C4540389, MONDO:0033311, OMIM 617767.

Allele frequency attached by ClinVar (database versions not stated): gnomAD 0.02011 and 0.02116; gnomAD exomes 0.02932; ExAC 0.02937; ESP Exome Variant Server 0.02114; TOPMed 0.02126; 1000 Genomes Project 0.02276; 1000 Genomes Project 30x 0.02342.
gnomAD v4.1: 45,298 of 1,555,110 alleles (2.9%); highest among the groups gnomAD compares: South Asian, 7.9%; 926 homozygotes.

Submissions (3):

Labcorp Genetics (formerly Invitae), Labcorp
Classification: Benign. Last evaluated: 2026-01-14. Review status: criteria provided, single submitter. Criteria: Invitae Variant Classification Sherloc (09022015). Collection method: clinical testing. Allele origin: germline.

Breakthrough Genomics
Classification: Benign. Review status: criteria provided, single submitter. Criteria: ACMG Guidelines, 2015. Collection method: not provided. Allele origin: germline. Inheritance: Autosomal recessive inheritance. Affected: yes.

Neuberg Centre For Genomic Medicine, NCGM
Classification: Uncertain significance for Joubert syndrome 33. Review status: criteria provided, single submitter. Criteria: ACMG Guidelines, 2015. Collection method: clinical testing. Allele origin: germline. Inheritance: Autosomal recessive inheritance. Affected: yes.
Comment: The amino acid Ile at position 659 is changed to a Val changing protein sequence and it might alter its composition and physico-chemical properties. The variant is predicted to be damaging by PolyPhen2 and the residue is conserved across species. The amino acid change p.Ile659Val in PIBF1 is predicted as conserved by GERP++ and PhyloP across 100 vertebrates. Although the variant is present at 27.6445% in gnomAD Exomes, it has the flag "Failed Inbreeding Coefficient" and may not represent the true population frequency. The c.1223+15dupA variant is novel (not in any individuals) in 1000 Genomes. For these reasons, this variant has been classified as Uncertain Significance .